The following is an entry in ClinVar:

NM_182914.3(SYNE2):c.14207C>T (p.Thr4736Ile)

Gene: SYNE2 (spectrin repeat containing nuclear envelope protein 2; plus strand). Cytogenetic location: 14q23.2.
Variant type: single nucleotide variant.
Coding change: c.14207C>T on transcript NM_182914.3 (MANE Select); coding-DNA position 14207, C replaced by T.
Protein change: p.Thr4736Ile; replaces threonine 4736 with isoleucine.
Molecular consequence: missense variant.
Genome position (GRCh38, 1-based): chr14:64,130,115, C>T. VCF-style: chr14-64130115-C-T. GRCh37 (hg19) VCF-style: chr14-64596833-C-T.
Other names: c.14207C>T, p.Thr4736Ile (NM_015180.6); c.14207C>T (NM_182914.2); short protein forms T4736I.
Identifiers: ClinVar variation 283990 (VCV000283990.14), dbSNP rs141148067, ClinGen allele CA7222717.

ClinVar aggregate classification (germline): Uncertain significance. Review status: criteria provided, multiple submitters, no conflicts (2 of 4 stars). 3 submissions from 3 submitters: Uncertain significance (3). Last evaluated 2025-10-21.

Conditions:
Emery-Dreifuss muscular dystrophy 5, autosomal dominant (EDMD5). Also called: EMERY-DREIFUSS MUSCULAR DYSTROPHY 5. Identifiers: Orphanet 261, MedGen C2751805, MONDO:0013072, OMIM 612999.

Allele frequency attached by ClinVar (database versions not stated): ExAC 0.00002; gnomAD 0.00002; gnomAD exomes 0.00003 and 0.00015; TOPMed 0.00005; ESP Exome Variant Server 0.00008.
gnomAD v4.1: 212 of 1,614,082 alleles (0.013%); highest among the groups gnomAD compares: Non-Finnish European, 0.017%; no homozygotes.

Submissions (3):

Labcorp Genetics (formerly Invitae), Labcorp
Classification: Uncertain significance for Emery-Dreifuss muscular dystrophy 5, autosomal dominant. Last evaluated: 2025-10-21. Review status: criteria provided, single submitter. Criteria: Invitae Variant Classification Sherloc (09022015). Collection method: clinical testing. Allele origin: germline.
Comment: This sequence change replaces threonine, which is neutral and polar, with isoleucine, which is neutral and non-polar, at codon 4736 of the SYNE2 protein (p.Thr4736Ile). This variant is present in population databases (rs141148067, gnomAD 0.006%). This variant has not been reported in the literature in individuals affected with SYNE2-related conditions. ClinVar contains an entry for this variant (Variation ID: 283990). An algorithm developed to predict the effect of missense changes on protein structure and function (PolyPhen-2) suggests that this variant is likely to be disruptive. In summary, the available evidence is currently insufficient to determine the role of this variant in disease. Therefore, it has been classified as a Variant of Uncertain Significance.

Ambry Genetics
Classification: Uncertain significance. Last evaluated: 2025-04-02. Review status: criteria provided, single submitter. Criteria: Ambry Variant Classification Scheme 2023. Collection method: clinical testing. Allele origin: germline.

Eurofins Ntd Llc (ga)
Classification: Uncertain significance. Last evaluated: 2017-10-31. Review status: criteria provided, single submitter. Criteria: EGL Classification Definitions 2015. Collection method: clinical testing. Allele origin: germline. Observed: 2 variant alleles, 2 heterozygotes.